The following is an entry in ClinVar:

NM_033380.3(COL4A5):c.628G>A (p.Gly210Arg)

Gene: COL4A5 (collagen type IV alpha 5 chain; plus strand). Cytogenetic location: Xq22.3.
Variant type: single nucleotide variant.
Coding change: c.628G>A on transcript NM_033380.3 (MANE Select); coding-DNA position 628, G replaced by A.
Protein change: p.Gly210Arg; replaces glycine 210 with arginine.
Molecular consequence: missense variant.
Genome position (GRCh38, 1-based): chrX:108,577,970, G>A. VCF-style: chrX-108577970-G-A. GRCh37 (hg19) VCF-style: chrX-107821200-G-A.
Other names: c.628G>A, p.Gly210Arg (NM_000495.5); short protein forms G210R.
Identifiers: ClinVar variation 4802178 (VCV004802178.1).

ClinVar aggregate classification (germline): Likely pathogenic (1 of 4 stars; one submission).

Submission:

Labcorp Genetics (formerly Invitae), Labcorp
Classification: Likely pathogenic. Last evaluated: 2025-07-16. Review status: criteria provided, single submitter. Criteria: Invitae Variant Classification Sherloc (09022015). Collection method: clinical testing. Allele origin: germline.
Comment: This sequence change replaces glycine, which is neutral and non-polar, with arginine, which is basic and polar, at codon 210 of the COL4A5 protein (p.Gly210Arg). This variant is not present in population databases (gnomAD no frequency). This missense change has been observed in individual(s) with clinical features of Alport syndrome (internal data). Invitae Evidence Modeling of protein sequence and biophysical properties (such as structural, functional, and spatial information, amino acid conservation, physicochemical variation, residue mobility, and thermodynamic stability) indicates that this missense variant is expected to disrupt COL4A5 protein function with a positive predictive value of 95%. This variant disrupts the triple helix domain of COL4A5. Glycine residues within the Gly-Xaa-Yaa repeats of the triple helix domain are required for the structure and stability of fibrillar collagens (PMID: 7695699, 8218237, 19344236). In COL4A5, missense variants at these glycine residues are significantly enriched in individuals with disease (PMID: 23720012, 27627812) compared to the general population (ExAC). This variant disrupts the p.Gly210 amino acid residue in COL4A5. Other variant(s) that disrupt this residue have been observed in individuals with COL4A5-related conditions (PMID: 33330536), which suggests that this may be a clinically significant amino acid residue. In summary, the currently available evidence indicates that the variant is pathogenic, but additional data are needed to prove that conclusively. Therefore, this variant has been classified as Likely Pathogenic.

Literature cited by the submitters: PubMed 7695699; PubMed 8218237; PubMed 19344236; PubMed 23720012; PubMed 27627812; PubMed 33330536.